The following is an entry in ClinVar:

ClinVar aggregate classification (germline): Uncertain significance. Review status: criteria provided, multiple submitters, no conflicts (2 of 4 stars). 2 submissions from 2 submitters: Uncertain significance (2). Last evaluated 2024-12-01.

Conditions:
Cohen syndrome (COH1). Also called: PEPPER SYNDROME; Cutis verticis gyrata, retinitis pigmentosa, and sensorineural deafness. Identifiers: Orphanet 193, MedGen C0265223, MONDO:0008999, OMIM 216550.

gnomAD v4.1: 1 of 1,613,920 alleles (0.000062%); highest among the groups gnomAD compares: Non-Finnish European, 0.000085%; no homozygotes.

Submissions (2):

CeGaT Center for Human Genetics Tuebingen
Classification: Uncertain significance. Last evaluated: 2024-12-01. Review status: criteria provided, single submitter. Criteria: CeGaT Center For Human Genetics Tuebingen Variant Classification Criteria Version 2. Collection method: clinical testing. Allele origin: germline. Affected: yes. Observed: 1 variant allele.
Comment: VPS13B: PM2, BP4

Labcorp Genetics (formerly Invitae), Labcorp
Classification: Uncertain significance for Cohen syndrome. Last evaluated: 2024-04-18. Review status: criteria provided, single submitter. Criteria: Invitae Variant Classification Sherloc (09022015). Collection method: clinical testing. Allele origin: germline.
Comment: This sequence change replaces serine, which is neutral and polar, with threonine, which is neutral and polar, at codon 653 of the VPS13B protein (p.Ser653Thr). This variant is not present in population databases (gnomAD no frequency). This variant has not been reported in the literature in individuals affected with VPS13B-related conditions. Advanced modeling of protein sequence and biophysical properties (such as structural, functional, and spatial information, amino acid conservation, physicochemical variation, residue mobility, and thermodynamic stability) performed at Invitae indicates that this missense variant is not expected to disrupt VPS13B protein function with a negative predictive value of 80%. In summary, the available evidence is currently insufficient to determine the role of this variant in disease. Therefore, it has been classified as a Variant of Uncertain Significance.

NM_152564.5(VPS13B):c.1957T>A (p.Ser653Thr)

Gene: VPS13B (vacuolar protein sorting 13 homolog B; plus strand). Cytogenetic location: 8q22.2.
Variant type: single nucleotide variant.
Coding change: c.1957T>A on transcript NM_152564.5 (MANE Select); coding-DNA position 1957, T replaced by A.
Protein change: p.Ser653Thr; replaces serine 653 with threonine.
Molecular consequence: missense variant.
Genome position (GRCh38, 1-based): chr8:99,147,954, T>A. VCF-style: chr8-99147954-T-A. GRCh37 (hg19) VCF-style: chr8-100160182-T-A.
Other names: c.1957T>A, p.Ser653Thr (NM_015243.3, NM_017890.5); short protein forms S653T.
Identifiers: ClinVar variation 3389541 (VCV003389541.16).